The following is an entry in ClinVar:

NM_001267550.2(TTN):c.88556T>C (p.Met29519Thr)

Genes: TTN (titin; minus strand), TTN-AS1 (TTN antisense RNA 1; plus strand). Cytogenetic location: 2q31.2.
Variant type: single nucleotide variant.
Coding change: c.88556T>C on transcript NM_001267550.2 (MANE Select); coding-DNA position 88556, T replaced by C.
Protein change: p.Met29519Thr; replaces methionine 29519 with threonine.
Molecular consequence: missense variant.
Genome position (GRCh38, 1-based): chr2:178,554,903, A>G on the plus strand (T>C on the coding strand, the complement: TTN is on the minus strand). VCF-style: chr2-178554903-A-G. GRCh37 (hg19) VCF-style: chr2-179419630-A-G.
Other names: c.83633T>C, p.Met27878Thr (NM_001256850.1); c.61361T>C, p.Met20454Thr (NM_003319.4); c.80852T>C, p.Met26951Thr (NM_133378.4); c.61736T>C, p.Met20579Thr (NM_133432.3); c.61937T>C, p.Met20646Thr (NM_133437.4); short protein forms M20646T, M20579T, M26951T, M20454T, M27878T, M29519T.
Identifiers: ClinVar variation 4979770 (VCV004979770.1).

ClinVar aggregate classification (germline): Uncertain significance (1 of 4 stars; one submission).

Conditions:
TTN-related disorder. Also called: TTN-related condition; TTN-related disease; TTN-related disorders.

gnomAD v4.1: 5 of 1,613,780 alleles (0.00031%); highest among the groups gnomAD compares: East Asian, 0.0022%; no homozygotes.

Submission:

PreventionGenetics, part of Exact Sciences
Classification: Uncertain significance for TTN-related condition. Last evaluated: 2026-09-01. Review status: criteria provided, single submitter. Criteria: ACMG Guidelines, 2015. Collection method: clinical testing. Allele origin: germline.
Comment: The TTN c.88556T>C variant is predicted to result in the amino acid substitution p.Met29519Thr. To our knowledge, this variant has not been reported in the literature or in a large population database (gnomAD), indicating this variant is rare. At this time, the clinical significance of this variant is uncertain due to the absence of conclusive functional and genetic evidence.